The following is an entry in ClinVar:

NM_001267550.2(TTN):c.80174C>T (p.Ser26725Leu)

Genes: TTN-AS1 (TTN antisense RNA 1; plus strand), TTN (titin; minus strand). Cytogenetic location: 2q31.2.
Variant type: single nucleotide variant.
Coding change: c.80174C>T on transcript NM_001267550.2 (MANE Select); coding-DNA position 80174, C replaced by T.
Protein change: p.Ser26725Leu; replaces serine 26725 with leucine.
Molecular consequence: missense variant.
Genome position (GRCh38, 1-based): chr2:178,565,958, G>A on the plus strand (C>T on the coding strand, the complement: TTN is on the minus strand). VCF-style: chr2-178565958-G-A. GRCh37 (hg19) VCF-style: chr2-179430685-G-A.
Other names: p.S25084L:TCA>TTA; c.75251C>T, p.Ser25084Leu (NM_001256850.1); c.52979C>T, p.Ser17660Leu (NM_003319.4); c.72470C>T, p.Ser24157Leu (NM_133378.4); c.53354C>T, p.Ser17785Leu (NM_133432.3); c.53555C>T, p.Ser17852Leu (NM_133437.4); short protein forms S25084L, S26725L, S17660L, S24157L, S17852L, S17785L.
Identifiers: ClinVar variation 202897 (VCV000202897.2), dbSNP rs772603198, ClinGen allele CA310623.

ClinVar aggregate classification (germline): Uncertain significance (1 of 4 stars; one submission).

Allele frequency attached by ClinVar (database versions not stated): TOPMed 0.00001 and 0.00002; gnomAD exomes below 0.00001; ExAC 0.00001.
gnomAD v4.1: 1 of 1,613,546 alleles (0.000062%); highest among the groups gnomAD compares: Non-Finnish European, 0.000085%; no homozygotes.

Submission:

GeneDx
Classification: Uncertain significance. Last evaluated: 2013-04-28. Review status: criteria provided, single submitter. Criteria: GeneDx Variant Classification (06012015). Collection method: clinical testing. Allele origin: germline. Affected: yes.
Comment: Missense variants in the TTN gene are considered 'unclassified' if they are not previously reported in the literature and do not have >1% frequency in the population to be considered a polymorphism. Research indicates that truncating mutations in the TTN gene are expected to account for approximately 25% of familial and 18% of sporadic idiopathic DCM; however, truncating variants in the TTN gene have been reported in approximately 3% of reported control alleles. There has been little investigation into non-truncating variants. (Herman D et al. Truncations of titin causing dilated cardiomyopathy. N Eng J Med 366:619-628, 2012) The variant is found in DCM panel(s).